The following is an entry in ClinVar:

NM_000368.5(TSC1):c.1704A>C (p.Gly568=)

Gene: TSC1 (TSC complex subunit 1; minus strand). Cytogenetic location: 9q34.13.
Variant type: single nucleotide variant.
Coding change: c.1704A>C on transcript NM_000368.5 (MANE Select); coding-DNA position 1704, A replaced by C.
Protein change: p.Gly568=; no amino-acid change (glycine 568 retained).
Molecular consequence: synonymous variant.
Genome position (GRCh38, 1-based): chr9:132,905,874, T>G on the plus strand (A>C on the coding strand, the complement: TSC1 is on the minus strand). VCF-style: chr9-132905874-T-G. GRCh37 (hg19) VCF-style: chr9-135781261-T-G.
Other names: c.1701A>C, p.Gly567= (NM_001162426.2); c.1551A>C, p.Gly517= (NM_001162427.2); c.1341A>C, p.Gly447= (NM_001362177.2).
Identifiers: ClinVar variation 1123508 (VCV001123508.12), dbSNP rs1171240569, ClinGen allele CA467813432.

ClinVar aggregate classification (germline): Benign/Likely benign. Review status: criteria provided, multiple submitters, no conflicts (2 of 4 stars). 3 submissions from 3 submitters: Benign (1); Likely benign (2). Last evaluated 2025-04-10.

Conditions:
Tuberous sclerosis 1 (TSC1). Identifiers: Orphanet 805, MedGen C1854465, MONDO:0008612, OMIM 191100.
Hereditary cancer-predisposing syndrome. Also called: Neoplastic Syndromes, Hereditary; Tumor predisposition; Hereditary Cancer Syndrome; Hereditary neoplastic syndrome. Identifiers: Orphanet 140162, MedGen C0027672, MeSH D009386, MONDO:0015356.

Allele frequency attached by ClinVar (database versions not stated): gnomAD exomes below 0.00001.

Submissions (3):

Myriad Genetics, Inc.
Classification: Benign for Tuberous sclerosis 1. Last evaluated: 2025-04-10. Review status: criteria provided, single submitter. Criteria: Myriad Autosomal Dominant, Autosomal Recessive and X-Linked Classification Criteria (2023). Collection method: clinical testing. Allele origin: unknown.
Comment: This variant is considered benign. This variant is a silent/synonymous amino acid change and it is not expected to impact splicing.

Labcorp Genetics (formerly Invitae), Labcorp
Classification: Likely benign for Tuberous sclerosis 1. Last evaluated: 2024-02-07. Review status: criteria provided, single submitter. Criteria: Invitae Variant Classification Sherloc (09022015). Collection method: clinical testing. Allele origin: germline.

Ambry Genetics
Classification: Likely benign for Hereditary cancer-predisposing syndrome. Last evaluated: 2022-10-28. Review status: criteria provided, single submitter. Criteria: Ambry Variant Classification Scheme 2023. Collection method: clinical testing. Allele origin: germline.